The following is an entry in ClinVar:

ClinVar aggregate classification (germline): Uncertain significance (1 of 4 stars; one submission).

Conditions:
Jeune thoracic dystrophy. Also called: Jeune syndrome; Infantile thoracic dystrophy; Thoracic pelvic phalangeal dystrophy; Jeune's syndrome; Chondroectodermal dysplasia-like syndrome; Short-rib thoracic dysplasia. Identifiers: Orphanet 474, MedGen C0265275, MONDO:0018770.

gnomAD v4.1: 1 of 1,605,140 alleles (0.000062%); highest among the groups gnomAD compares: East Asian, 0.0022%; no homozygotes.

Submission:

Labcorp Genetics (formerly Invitae), Labcorp
Classification: Uncertain significance for Jeune thoracic dystrophy. Last evaluated: 2022-03-09. Review status: criteria provided, single submitter. Criteria: Invitae Variant Classification Sherloc (09022015). Collection method: clinical testing. Allele origin: germline.
Comment: This sequence change falls in intron 17 of the IFT80 gene. It does not directly change the encoded amino acid sequence of the IFT80 protein. This variant is not present in population databases (gnomAD no frequency). This variant has not been reported in the literature in individuals affected with IFT80-related conditions. Algorithms developed to predict the effect of sequence changes on RNA splicing suggest that this variant may create or strengthen a splice site. In summary, the available evidence is currently insufficient to determine the role of this variant in disease. Therefore, it has been classified as a Variant of Uncertain Significance.

NM_020800.3(IFT80):c.1926+9T>G

Genes: TRIM59-IFT80 (TRIM59-IFT80 readthrough (NMD candidate); minus strand), IFT80 (intraflagellar transport 80; minus strand). Cytogenetic location: 3q25.33.
Variant type: single nucleotide variant.
Coding change: c.1926+9T>G on transcript NM_020800.3 (MANE Select); 9 bases into the intron after coding-DNA position 1926, T replaced by G.
Molecular consequence: intron variant.
Genome position (GRCh38, 1-based): chr3:160,277,572, A>C on the plus strand (T>G on the coding strand, the complement: IFT80 is on the minus strand). VCF-style: chr3-160277572-A-C. GRCh37 (hg19) VCF-style: chr3-159995360-A-C.
Other names: c.1515+9T>G (NM_001190241.2, NM_001190242.2).
Identifiers: ClinVar variation 2071678 (VCV002071678.4), dbSNP rs2473100467, ClinGen allele CA2577947607.